The following is an entry in ClinVar:

ClinVar aggregate classification (germline): Uncertain significance (1 of 4 stars; one submission).

Allele frequency attached by ClinVar (database versions not stated): gnomAD exomes below 0.00001.
gnomAD v4.1: 2 of 1,544,732 alleles (0.00013%); highest among the groups gnomAD compares: Non-Finnish European, 0.00017%; no homozygotes.

Submission:

GeneDx
Classification: Uncertain significance. Last evaluated: 2019-06-17. Review status: criteria provided, single submitter. Criteria: GeneDx Variant Classification Process June 2021. Collection method: clinical testing. Allele origin: germline. Affected: yes.
Comment: Not observed in large population cohorts (Lek et al., 2016); In silico analysis, which includes protein predictors and evolutionary conservation, supports that this variant does not alter protein structure/function; Has not been previously published as pathogenic or benign to our knowledge

NM_001161352.2(KCNMA1):c.95A>T (p.Asn32Ile)

Gene: KCNMA1 (potassium calcium-activated channel subfamily M alpha 1; minus strand). Cytogenetic location: 10q22.3.
Variant type: single nucleotide variant.
Coding change: c.95A>T on transcript NM_001161352.2 (MANE Select); coding-DNA position 95, A replaced by T.
Protein change: p.Asn32Ile; replaces asparagine 32 with isoleucine.
Molecular consequence: missense variant.
Genome position (GRCh38, 1-based): chr10:77,637,548, T>A on the plus strand (A>T on the coding strand, the complement: KCNMA1 is on the minus strand). VCF-style: chr10-77637548-T-A. GRCh37 (hg19) VCF-style: chr10-79397306-T-A.
Other names: c.95A>T, p.Asn32Ile (NM_001014797.3, NM_001161353.2, NM_001271518.2 and 12 more transcripts); short protein forms N32I.
Identifiers: ClinVar variation 1302185 (VCV001302185.2), dbSNP rs199570594, ClinGen allele CA210159553.